The following is an entry in ClinVar:

NM_022132.5(MCCC2):c.904-2A>T

Gene: MCCC2 (methylcrotonyl-CoA carboxylase subunit 2; plus strand). Cytogenetic location: 5q13.2.
Variant type: single nucleotide variant.
Coding change: c.904-2A>T on transcript NM_022132.5 (MANE Select); the canonical splice acceptor site of the intron before coding-DNA position 904, A replaced by T.
Molecular consequence: splice acceptor variant.
Genome position (GRCh38, 1-based): chr5:71,635,149, A>T. VCF-style: chr5-71635149-A-T. GRCh37 (hg19) VCF-style: chr5-70930976-A-T.
Other names: c.790-2A>T (NM_001363147.1).
Identifiers: ClinVar variation 2851631 (VCV002851631.4), dbSNP rs2530829065, ClinGen allele CA359987354.

ClinVar aggregate classification (germline): Likely pathogenic (1 of 4 stars; one submission).

Conditions:
3-methylcrotonyl-CoA carboxylase 2 deficiency. Also called: 3 alpha methylcrotonyl-CoA carboxylase 2 deficiency; 3 alpha methylcrotonylglycinuria 2; MCC 2 deficiency; Methylcrotonylglycinuria type 2; METHYLCROTONYLGLYCINURIA, TYPE II. Identifiers: Orphanet 6, MedGen C1859499, MONDO:0008862, OMIM 210210.

Submission:

Labcorp Genetics (formerly Invitae), Labcorp
Classification: Likely pathogenic for 3-methylcrotonyl-CoA carboxylase 2 deficiency. Last evaluated: 2023-04-03. Review status: criteria provided, single submitter. Criteria: Invitae Variant Classification Sherloc (09022015). Collection method: clinical testing. Allele origin: germline.
Comment: In summary, the currently available evidence indicates that the variant is pathogenic, but additional data are needed to prove that conclusively. Therefore, this variant has been classified as Likely Pathogenic. Algorithms developed to predict the effect of sequence changes on RNA splicing suggest that this variant may disrupt the consensus splice site. This variant has not been reported in the literature in individuals affected with MCCC2-related conditions. This variant is not present in population databases (gnomAD no frequency). This sequence change affects an acceptor splice site in intron 9 of the MCCC2 gene. It is expected to disrupt RNA splicing. Variants that disrupt the donor or acceptor splice site typically lead to a loss of protein function (PMID: 16199547), and loss-of-function variants in MCCC2 are known to be pathogenic (PMID: 11181649, 22642865).

Literature cited by the submitters: PubMed 16199547; PubMed 11181649; PubMed 22642865.